The following is an entry in ClinVar:

NM_014415.4(ZBTB11):c.3157G>A (p.Glu1053Lys)

Gene: ZBTB11 (zinc finger and BTB domain containing 11; minus strand). Cytogenetic location: 3q12.3.
Variant type: single nucleotide variant.
Coding change: c.3157G>A on transcript NM_014415.4 (MANE Select); coding-DNA position 3157, G replaced by A.
Protein change: p.Glu1053Lys; replaces glutamic acid 1053 with lysine.
Molecular consequence: missense variant.
Genome position (GRCh38, 1-based): chr3:101,651,171, C>T on the plus strand (G>A on the coding strand, the complement: ZBTB11 is on the minus strand). VCF-style: chr3-101651171-C-T. GRCh37 (hg19) VCF-style: chr3-101370015-C-T.
Other names: short protein forms E1053K.
Identifiers: ClinVar variation 4891185 (VCV004891185.1).

ClinVar aggregate classification (germline): Uncertain significance (1 of 4 stars; one submission).

gnomAD v4.1: 90 of 1,575,486 alleles (0.0057%); highest among the groups gnomAD compares: Admixed American, 0.0093%; no homozygotes.

Submission:

Greenwood Genetic Center Diagnostic Laboratories, Greenwood Genetic Center
Classification: Uncertain significance. Last evaluated: 2026-06-25. Review status: criteria provided, single submitter. Criteria: ACMG Guidelines, 2015. Collection method: clinical testing. Allele origin: germline.
Comment: PM2